The following is an entry in ClinVar:

NM_030958.3(SLCO5A1):c.226C>A (p.Pro76Thr)

Gene: SLCO5A1 (solute carrier organic anion transporter family member 5A1; minus strand). Cytogenetic location: 8q13.3.
Variant type: single nucleotide variant.
Coding change: c.226C>A on transcript NM_030958.3 (MANE Select); coding-DNA position 226, C replaced by A.
Protein change: p.Pro76Thr; replaces proline 76 with threonine.
Molecular consequence: missense variant.
Genome position (GRCh38, 1-based): chr8:69,832,448, G>T on the plus strand (C>A on the coding strand, the complement: SLCO5A1 is on the minus strand). VCF-style: chr8-69832448-G-T. GRCh37 (hg19) VCF-style: chr8-70744683-G-T.
Other names: c.226C>A, p.Pro76Thr (NM_001146008.2, NM_001146009.1); c.226C>A (NM_030958.2); short protein forms P76T.
Identifiers: ClinVar variation 2984363 (VCV002984363.4), dbSNP rs1342488073, ClinGen allele CA371268097.

ClinVar aggregate classification (germline): Uncertain significance. Review status: criteria provided, multiple submitters, no conflicts (2 of 4 stars). 2 submissions from 2 submitters: Uncertain significance (2). Last evaluated 2025-05-14.

Allele frequency attached by ClinVar (database versions not stated): gnomAD 0.00001; gnomAD exomes 0.00001.
gnomAD v4.1: 24 of 1,613,008 alleles (0.0015%); highest among the groups gnomAD compares: Non-Finnish European, 0.0019%; no homozygotes.

Submissions (2):

Ambry Genetics
Classification: Uncertain significance. Last evaluated: 2025-05-14. Review status: criteria provided, single submitter. Criteria: Ambry Variant Classification Scheme 2023. Collection method: clinical testing. Allele origin: germline.

Labcorp Genetics (formerly Invitae), Labcorp
Classification: Uncertain significance. Last evaluated: 2022-10-30. Review status: criteria provided, single submitter. Criteria: Invitae Variant Classification Sherloc (09022015). Collection method: clinical testing. Allele origin: germline.
Comment: In summary, the available evidence is currently insufficient to determine the role of this variant in disease. Therefore, it has been classified as a Variant of Uncertain Significance. Algorithms developed to predict the effect of missense changes on protein structure and function (SIFT, PolyPhen-2, Align-GVGD) all suggest that this variant is likely to be tolerated. This variant has not been reported in the literature in individuals affected with SLCO5A1-related conditions. The frequency data for this variant in the population databases is considered unreliable, as metrics indicate poor data quality at this position in the gnomAD database. This sequence change replaces proline, which is neutral and non-polar, with threonine, which is neutral and polar, at codon 76 of the SLCO5A1 protein (p.Pro76Thr).